The following is an entry in ClinVar:

ClinVar aggregate classification (germline): Uncertain significance (1 of 4 stars; one submission).

Conditions:
Mendelian susceptibility to mycobacterial diseases due to partial STAT1 deficiency. Also called: IMMUNODEFICIENCY 31A, MYCOBACTERIOSIS, AUTOSOMAL DOMINANT; STAT1 DEFICIENCY, AUTOSOMAL DOMINANT; Immunodeficiency 31a. Identifiers: Orphanet 319595, MedGen C4013950, MONDO:0013956, OMIM 614892.
Immunodeficiency 31B. Also called: STAT1 DEFICIENCY, AUTOSOMAL RECESSIVE; IMMUNODEFICIENCY 31B, MYCOBACTERIAL AND VIRAL INFECTIONS, AUTOSOMAL RECESSIVE. Identifiers: Orphanet 391311, MedGen C3151088, MONDO:0013427, OMIM 613796.
Autoimmune enteropathy and endocrinopathy - susceptibility to chronic infections syndrome. Also called: Immunodeficiency 31C, autosomal dominant; Immunodeficiency 31C. Identifiers: Orphanet 391487, MedGen C3279990, MONDO:0013599, OMIM 614162.

Submission:

Labcorp Genetics (formerly Invitae), Labcorp
Classification: Uncertain significance for Mendelian susceptibility to mycobacterial diseases due to partial STAT1 deficiency; Immunodeficiency 31B; Autoimmune enteropathy and endocrinopathy - susceptibility to chronic infections syndrome. Last evaluated: 2021-07-07. Review status: criteria provided, single submitter. Criteria: Invitae Variant Classification Sherloc (09022015). Collection method: clinical testing. Allele origin: germline.
Comment: In summary, the available evidence is currently insufficient to determine the role of this variant in disease. Therefore, it has been classified as a Variant of Uncertain Significance. Algorithms developed to predict the effect of missense changes on protein structure and function are either unavailable or do not agree on the potential impact of this missense change (SIFT: "Deleterious"; PolyPhen-2: "Benign"; Align-GVGD: "Class C15"). This variant has not been reported in the literature in individuals affected with STAT1-related conditions. This variant is not present in population databases (ExAC no frequency). This sequence change replaces tyrosine with cysteine at codon 356 of the STAT1 protein (p.Tyr356Cys). The tyrosine residue is highly conserved and there is a large physicochemical difference between tyrosine and cysteine.

NM_007315.4(STAT1):c.1067A>G (p.Tyr356Cys)

Gene: STAT1 (signal transducer and activator of transcription 1; minus strand). Cytogenetic location: 2q32.2.
Variant type: single nucleotide variant.
Coding change: c.1067A>G on transcript NM_007315.4 (MANE Select); coding-DNA position 1067, A replaced by G.
Protein change: p.Tyr356Cys; replaces tyrosine 356 with cysteine.
Molecular consequence: missense variant. On other transcripts: intron variant (1).
Genome position (GRCh38, 1-based): chr2:190,989,645, T>C on the plus strand (A>G on the coding strand, the complement: STAT1 is on the minus strand). VCF-style: chr2-190989645-T-C. GRCh37 (hg19) VCF-style: chr2-191854371-T-C.
Other names: c.1073A>G, p.Tyr358Cys (NM_001384881.1, NM_001384884.1); c.1067A>G, p.Tyr356Cys (NM_001384882.1, NM_001384886.1, NM_001384888.1 and 2 more transcripts); c.968A>G, p.Tyr323Cys (NM_001384883.1); c.908A>G, p.Tyr303Cys (NM_001384885.1); c.974A>G, p.Tyr325Cys (NM_001384887.1); c.977A>G, p.Tyr326Cys (NM_001384890.1); c.1103A>G, p.Tyr368Cys (NM_001384891.1); c.1037+1583A>G (NM_001384880.1); short protein forms Y326C, Y356C, Y303C, Y325C, Y323C, Y358C, Y368C.
Identifiers: ClinVar variation 1404184 (VCV001404184.8), dbSNP rs2125043988, ClinGen allele CA349919962.